The following is an entry in ClinVar:

NM_000533.5(PLP1):c.740del (p.Ala247fs)

Genes: PLP1 (proteolipid protein 1; plus strand), RAB9B (RAB9B, member RAS oncogene family; minus strand). Cytogenetic location: Xq22.2.
Variant type: Deletion.
Coding change: c.740del on transcript NM_000533.5 (MANE Select); coding-DNA position 740, one base deleted (C; older notation c.740delC).
Protein change: p.Ala247fs; shifts the reading frame from alanine 247.
Molecular consequence: frameshift variant.
Genome position (GRCh38, 1-based): chrX:103,789,376, C deleted. VCF-style (leftmost placement, unchanged base first): chrX-103789375-GC-G. GRCh37 (hg19) VCF-style: chrX-103044304-GC-G.
Other names: c.740del, p.Ala247fs (NM_001128834.3); c.575del, p.Ala192fs (NM_001305004.1); c.635del, p.Ala212fs (NM_199478.3); short protein forms A192fs, A212fs, A247fs.
Identifiers: ClinVar variation 4879765 (VCV004879765.1).

ClinVar aggregate classification (germline): Pathogenic (1 of 4 stars; one submission).

Conditions:
Pelizaeus-Merzbacher disease. Also called: Sudanophilic leukodystrophy; Pelizaeus-Merzbacher spectrum disorder; Pelizaeus-Merzbacher Disease (PMD); LEUKODYSTROPHY, HYPOMYELINATING, 1; Pelizeaus-Merzbacher spectrum disorder. Identifiers: Orphanet 702, MedGen C0205711, MONDO:0010714, OMIM 312080, HP:0003269.

Submission:

Victorian Clinical Genetics Services, Murdoch Childrens Research Institute
Classification: Pathogenic for Pelizaeus-Merzbacher disease. Last evaluated: 2026-06-15. Review status: criteria provided, single submitter. Criteria: ACMG Guidelines, 2015. Collection method: clinical testing. Allele origin: germline. Affected: yes.
Comment: This variant is classified as Pathogenic. Evidence in support of pathogenic classification: Variant is predicted to result in a truncated protein (premature termination codon is NOT located at least 54 nucleotides upstream of the final exon-exon junction) with less than 1/3 of the protein sequence affected; Variant is absent from gnomAD (v2, v3 and v4); Other protein truncating variant(s) comparable to the one identified in this case have very strong previous evidence for pathogenicity. Downstream truncating variants have been classified as likely pathogenic/pathogenic by clinical laboratories in ClinVar and as pathogenic in a hemizygous individual in DECIPHER. p.(Arg273*) has been reported in the literature as de novo in an individual with developmental delay (PMID: 36350923). Additional information: This variant is hemizygous; This gene is associated with X-linked disease; This variant has no previous evidence of pathogenicity; No published evidence of segregation with disease has been identified for this variant; No published functional evidence has been identified for this variant; Variant truncates part of the annotated myelin proteolipid protein domain (DECIPHER); Loss of function is a known mechanism of disease in this gene and is associated with spastic paraplegia 2 (SP2) (MIM#312920). Gain of function has been speculated to be the mechanism of disease for missense variants associated with Pelizaeus-Merzbacher disease (PMD) (MIM#312080) (PMID: 28286750); Variants in this gene are known to have variable expressivity (OMIM, PMID: 16778599).

Literature cited by the submitters: PubMed 16778599; PubMed 28286750; PubMed 36350923.